The following is an entry in ClinVar:

NM_003242.6(TGFBR2):c.1484G>A (p.Arg495Gln)

Gene: TGFBR2 (transforming growth factor beta receptor 2; plus strand). Cytogenetic location: 3p24.1.
Variant type: single nucleotide variant.
Coding change: c.1484G>A on transcript NM_003242.6 (MANE Select); coding-DNA position 1484, G replaced by A.
Protein change: p.Arg495Gln; replaces arginine 495 with glutamine.
Molecular consequence: missense variant.
Genome position (GRCh38, 1-based): chr3:30,688,471, G>A. VCF-style: chr3-30688471-G-A. GRCh37 (hg19) VCF-style: chr3-30729963-G-A.
Other names: c.1559G>A, p.Arg520Gln (NM_001024847.3); c.1667G>A, p.Arg556Gln (NM_001407126.1); c.1592G>A, p.Arg531Gln (NM_001407127.1); c.1511G>A, p.Arg504Gln (NM_001407128.1); c.1487G>A, p.Arg496Gln (NM_001407129.1); c.1481G>A, p.Arg494Gln (NM_001407130.1); c.1379G>A, p.Arg460Gln (NM_001407132.1, NM_001407133.1, NM_001407134.1 and 2 more transcripts); c.1199G>A, p.Arg400Gln (NM_001407137.1); and 2 more; short protein forms R495Q, R520Q, R205Q, R375Q, R460Q, R531Q, R400Q, R494Q.
Identifiers: ClinVar variation 928173 (VCV000928173.5), dbSNP rs1305853447, ClinGen allele CA351809379.
Genomic context (GRCh38, chr3:30,688,471, plus strand): 5'-GTTCCAAGGTGCGGGAGCACCCCTGTGTCGAAAGCATGAAGGACAACGTGTTGAGAGATC[G>A]AGGGCGACCAGAAATTCCCAGCTTCTGGCTCAACCACCAGGTAAGGAGTGAGTGTTTACA-3'
Protein context (NP_003233.4, residues 485-505): ESMKDNVLRD[Arg495Gln]GRPEIPSFWL

ClinVar aggregate classification (germline): Uncertain significance (1 of 4 stars; one submission).

Conditions:
Familial thoracic aortic aneurysm and aortic dissection (TAAD). Also called: Thoracic aortic aneurysms and dissections. Identifiers: Orphanet 91387, MedGen C4707243, MONDO:0019625.

Allele frequency attached by ClinVar (database versions not stated): gnomAD exomes below 0.00001; gnomAD 0.00001.

Submission:

Color Diagnostics, LLC DBA Color Health
Classification: Uncertain significance for Familial thoracic aortic aneurysm and aortic dissection. Last evaluated: 2025-06-18. Review status: criteria provided, single submitter. Criteria: ACMG Guidelines, 2015. Collection method: clinical testing. Allele origin: germline.
Comment: This missense variant replaces arginine with glutamine at codon 495 of the TGFBR2 protein. Computational prediction suggests that this variant may have a deleterious impact on protein structure and function. To our knowledge, functional studies have not been reported for this variant. This variant has been reported in an individual suspected to be affected with Marfan syndrome (PMID: 19996017). This variant has been identified in 1/31412 chromosomes in the general population by the Genome Aggregation Database (gnomAD). The available evidence is insufficient to determine the role of this variant in disease conclusively. Therefore, this variant is classified as a Variant of Uncertain Significance.

Literature cited by the submitters: PubMed 19996017.